The following is an entry in ClinVar:

NM_016148.5(SHANK1):c.3592C>T (p.Pro1198Ser)

Gene: SHANK1 (SH3 and multiple ankyrin repeat domains 1; minus strand). Cytogenetic location: 19q13.33.
Variant type: single nucleotide variant.
Coding change: c.3592C>T on transcript NM_016148.5 (MANE Select); coding-DNA position 3592, C replaced by T.
Protein change: p.Pro1198Ser; replaces proline 1198 with serine.
Molecular consequence: missense variant.
Genome position (GRCh38, 1-based): chr19:50,668,368, G>A on the plus strand (C>T on the coding strand, the complement: SHANK1 is on the minus strand). VCF-style: chr19-50668368-G-A. GRCh37 (hg19) VCF-style: chr19-51171625-G-A.
Other names: short protein forms P1198S.
Identifiers: ClinVar variation 3346426 (VCV003346426.1).

ClinVar aggregate classification (germline): Uncertain significance (0 of 4 stars; one submission).

Conditions:
SHANK1-related disorder. Also called: SHANK1-related condition.

Submission:

PreventionGenetics, part of Exact Sciences
Classification: Uncertain significance for SHANK1-related condition. Last evaluated: 2024-06-27. Review status: no assertion criteria provided. Collection method: clinical testing. Allele origin: germline.
Comment: The SHANK1 c.3592C>T variant is predicted to result in the amino acid substitution p.Pro1198Ser. To our knowledge, this variant has not been reported in the literature or in a large population database, indicating this variant is rare. At this time, the clinical significance of this variant is uncertain due to the absence of conclusive functional and genetic evidence.